The following is an entry in ClinVar:

ClinVar aggregate classification (germline): Uncertain significance (1 of 4 stars; one submission).

Allele frequency attached by ClinVar (database versions not stated): gnomAD exomes 0.00001; TOPMed 0.00001.

Submission:

Labcorp Genetics (formerly Invitae), Labcorp
Classification: Uncertain significance. Last evaluated: 2020-08-16. Review status: criteria provided, single submitter. Criteria: Invitae Variant Classification Sherloc (09022015). Collection method: clinical testing. Allele origin: germline.
Comment: This sequence change replaces glutamic acid with lysine at codon 153 of the CTF1 protein (p.Glu153Lys). The glutamic acid residue is highly conserved and there is a small physicochemical difference between glutamic acid and lysine. The frequency data for this variant in the population databases is considered unreliable, as metrics indicate insufficient coverage at this position in the ExAC database. This variant has not been reported in the literature in individuals with CTF1-related conditions. Algorithms developed to predict the effect of missense changes on protein structure and function (SIFT, PolyPhen-2, Align-GVGD) all suggest that this variant is likely to be disruptive, but these predictions have not been confirmed by published functional studies and their clinical significance is uncertain. In summary, the available evidence is currently insufficient to determine the role of this variant in disease. Therefore, it has been classified as a Variant of Uncertain Significance.

NM_001330.5(CTF1):c.457G>A (p.Glu153Lys)

Genes: CTF1 (cardiotrophin 1; plus strand), LOC130058878 (ATAC-STARR-seq lymphoblastoid silent region 7400; plus strand). Cytogenetic location: 16p11.2.
Variant type: single nucleotide variant.
Coding change: c.457G>A on transcript NM_001330.5 (MANE Select); coding-DNA position 457, G replaced by A.
Protein change: p.Glu153Lys; replaces glutamic acid 153 with lysine.
Molecular consequence: missense variant. On other transcripts: non-coding transcript variant (1).
Genome position (GRCh38, 1-based): chr16:30,902,390, G>A. VCF-style: chr16-30902390-G-A. GRCh37 (hg19) VCF-style: chr16-30913711-G-A.
Other names: c.454G>A, p.Glu152Lys (NM_001142544.3); short protein forms E152K, E153K.
Identifiers: ClinVar variation 999484 (VCV000999484.9), dbSNP rs1360227777, ClinGen allele CA395619279.